The following is an entry in ClinVar:

NM_005996.4(TBX3):c.467T>C (p.Ile156Thr)

Gene: TBX3 (T-box transcription factor 3; minus strand). Cytogenetic location: 12q24.21.
Variant type: single nucleotide variant.
Coding change: c.467T>C on transcript NM_005996.4 (MANE Select); coding-DNA position 467, T replaced by C.
Protein change: p.Ile156Thr; replaces isoleucine 156 with threonine.
Molecular consequence: missense variant.
Genome position (GRCh38, 1-based): chr12:114,681,069, A>G on the plus strand (T>C on the coding strand, the complement: TBX3 is on the minus strand). VCF-style: chr12-114681069-A-G. GRCh37 (hg19) VCF-style: chr12-115118874-A-G.
Other names: c.467T>C, p.Ile156Thr (NM_016569.4); short protein forms I156T.
Identifiers: ClinVar variation 4988711 (VCV004988711.1).

ClinVar aggregate classification (germline): Uncertain significance (1 of 4 stars; one submission).

Conditions:
TBX3-related disorder. Also called: TBX3-related condition.

Submission:

PreventionGenetics, part of Exact Sciences
Classification: Uncertain significance for TBX3-related condition. Last evaluated: 2026-09-15. Review status: criteria provided, single submitter. Criteria: ACMG Guidelines, 2015. Collection method: clinical testing. Allele origin: germline.
Comment: The TBX3 c.467T>C variant is predicted to result in the amino acid substitution p.Ile156Thr. To our knowledge, this variant has not been reported in the literature. This variant is reported in 0.0065% of alleles in individuals of European (Non-Finnish) descent in gnomAD. At this time, the clinical significance of this variant is uncertain due to the absence of conclusive functional and genetic evidence.